The following is an entry in ClinVar:

NM_001367624.2(ZNF469):c.6297_6298del (p.Gly2100_Asp2101insTer)

Gene: ZNF469 (zinc finger protein 469; plus strand). Cytogenetic location: 16q24.2.
Variant type: Deletion.
Coding change: c.6297_6298del on transcript NM_001367624.2 (MANE Select); coding-DNA positions 6297 to 6298, 2 bases deleted (AG; older notation c.6297_6298delAG).
Protein change: p.Gly2100_Asp2101insTer.
Molecular consequence: frameshift variant.
Genome position (GRCh38, 1-based): chr16:88,433,767-88,433,768, AG deleted. VCF-style (leftmost placement, unchanged base first): chr16-88433766-CAG-C. GRCh37 (hg19) VCF-style: chr16-88500174-CAG-C.
Other names: NM_001127464.1:c.6213_6214delAG.
Identifiers: ClinVar variation 1752230 (VCV001752230.2), dbSNP rs764745826, ClinGen allele CA8225138.
Genomic context (GRCh38, chr16:88,433,766, plus strand): 5'-CTGAGGGCCGGACTCCAGAGAGGGCGTCCAGCCCCGGCCTGAACAAGCCACTGCTGGCCA[CAG>C]GGGATAGCCCAGCACCCTCTGTCGGGGACCTGGCCGCCTGCGCCCCCTCACCCACTTCAG-3'

ClinVar aggregate classification (germline): Likely pathogenic (1 of 4 stars; one submission).

Conditions:
Cardiovascular phenotype. Identifiers: MedGen CN230736.

Allele frequency attached by ClinVar (database versions not stated): gnomAD exomes below 0.00001; gnomAD 0.00001; 1000 Genomes Project 30x 0.00031.

Submission:

Ambry Genetics
Classification: Likely pathogenic for Cardiovascular phenotype. Last evaluated: 2019-01-15. Review status: criteria provided, single submitter. Criteria: Ambry Variant Classification Scheme 2023. Collection method: clinical testing. Allele origin: germline.
Comment: The c.6213_6214delAG variant, located in coding exon 2 of the ZNF469 gene, results from a deletion of two nucleotides at nucleotide positions 6213 to 6214. This changes the amino acid at position 2073 from an aspartic acid to a stop codon (p.D2073*). Premature stop codons are typically deleterious in nature; however, this stop codon occurs at the 3' terminus of ZNF469, and is not expected to trigger nonsense-mediated mRNA decay. While the exact functional impact of the removed amino acids is unknown at this time, this variant results in the removal of a substantial portion of the protein, including all five zinc finger domains, and is expected to result in loss of function by premature protein truncation. Based on the majority of available evidence to date, this variant is likely to be pathogenic.